The following is an entry in ClinVar:

NM_001099274.3(TINF2):c.1067G>A (p.Cys356Tyr)

Gene: TINF2 (TERF1 interacting nuclear factor 2; minus strand). Cytogenetic location: 14q12.
Variant type: single nucleotide variant.
Coding change: c.1067G>A on transcript NM_001099274.3 (MANE Select); coding-DNA position 1067, G replaced by A.
Protein change: p.Cys356Tyr; replaces cysteine 356 with tyrosine.
Molecular consequence: missense variant. On other transcripts: 3 prime UTR variant (1).
Genome position (GRCh38, 1-based): chr14:24,240,325, C>T on the plus strand (G>A on the coding strand, the complement: TINF2 is on the minus strand). VCF-style: chr14-24240325-C-T. GRCh37 (hg19) VCF-style: chr14-24709531-C-T.
Other names: c.962G>A, p.Cys321Tyr (NM_001363668.2); c.*90G>A (NM_012461.3); short protein forms C356Y, C321Y.
Identifiers: ClinVar variation 1038069 (VCV001038069.8), dbSNP rs1459244615, ClinGen allele CA389223099.

ClinVar aggregate classification (germline): Uncertain significance (1 of 4 stars; one submission).

Conditions:
Dyskeratosis congenita. Identifiers: Orphanet 1775, MedGen C0265965, MONDO:0015780.

Allele frequency attached by ClinVar (database versions not stated): TOPMed below 0.00001; gnomAD exomes 0.00001.
gnomAD v4.1: 8 of 1,613,990 alleles (0.0005%); highest among the groups gnomAD compares: Non-Finnish European, 0.00068%; no homozygotes.

Submission:

Labcorp Genetics (formerly Invitae), Labcorp
Classification: Uncertain significance for Dyskeratosis congenita. Last evaluated: 2024-11-19. Review status: criteria provided, single submitter. Criteria: Invitae Variant Classification Sherloc (09022015). Collection method: clinical testing. Allele origin: germline.
Comment: This sequence change replaces cysteine, which is neutral and slightly polar, with tyrosine, which is neutral and polar, at codon 356 of the TINF2 protein (p.Cys356Tyr). This variant is not present in population databases (gnomAD no frequency). This variant has not been reported in the literature in individuals affected with TINF2-related conditions. ClinVar contains an entry for this variant (Variation ID: 1038069). An algorithm developed to predict the effect of missense changes on protein structure and function (PolyPhen-2) suggests that this variant is likely to be disruptive. In summary, the available evidence is currently insufficient to determine the role of this variant in disease. Therefore, it has been classified as a Variant of Uncertain Significance.